The following is an entry in ClinVar:

NM_015910.7(WDPCP):c.2051A>G (p.Gln684Arg)

Gene: WDPCP (WD repeat containing planar cell polarity effector; minus strand). Cytogenetic location: 2p15.
Variant type: single nucleotide variant.
Coding change: c.2051A>G on transcript NM_015910.7 (MANE Select); coding-DNA position 2051, A replaced by G.
Protein change: p.Gln684Arg; replaces glutamine 684 with arginine.
Molecular consequence: missense variant. On other transcripts: non-coding transcript variant (3).
Genome position (GRCh38, 1-based): chr2:63,174,697, T>C on the plus strand (A>G on the coding strand, the complement: WDPCP is on the minus strand). VCF-style: chr2-63174697-T-C. GRCh37 (hg19) VCF-style: chr2-63401832-T-C.
Other names: c.1574A>G, p.Gln525Arg (NM_001042692.3); c.1979A>G, p.Gln660Arg (NM_001354044.2); short protein forms Q525R, Q660R, Q684R.
Identifiers: ClinVar variation 2203489 (VCV002203489.5), dbSNP rs1325947677, ClinGen allele CA347056445.
Genomic context (GRCh38, chr2:63,174,697, plus strand): 5'-ATGGAGCAATTTCCTCAGTTCAACATTTCTTACCTGTTAGAAGAGCCATTCAGTATTCTT[T>C]GTTGTAAAATATGTCTGTGGGTTGGGCAAGAGGGAGGGAGGTTATCTGGAAATGAGTCTT-3'
Protein context (NP_056994.3, residues 674-694): SCPTHRHILQ[Gln684Arg]RILNGSSNRQ

ClinVar aggregate classification (germline): Uncertain significance. Review status: criteria provided, multiple submitters, no conflicts (2 of 4 stars). 2 submissions from 2 submitters: Uncertain significance (2). Last evaluated 2024-01-08.

Conditions:
Heart defect - tongue hamartoma - polysyndactyly syndrome. Also called: Congenital heart defects, hamartomas of tongue, and polysyndactyly. Identifiers: Orphanet 1338, MedGen C1857587, MONDO:0009008, OMIM 217085.
Bardet-Biedl syndrome 15 (BBS15). Identifiers: Orphanet 110, MedGen C3150127, MONDO:0014443, OMIM 615992.
Bardet-Biedl syndrome (BBS). Identifiers: Orphanet 110, MedGen C0752166, MONDO:0015229.

Allele frequency attached by ClinVar (database versions not stated): gnomAD exomes 0.00001; TOPMed 0.00001; gnomAD 0.00002.
gnomAD v4.1: 16 of 1,613,864 alleles (0.00099%); highest among the groups gnomAD compares: African/African-American, 0.0013%; no homozygotes.

Submissions (2):

Fulgent Genetics
Classification: Uncertain significance for Heart defect - tongue hamartoma - polysyndactyly syndrome; Bardet-Biedl syndrome 15. Last evaluated: 2024-01-08. Review status: criteria provided, single submitter. Criteria: ACMG Guidelines, 2015. Collection method: clinical testing. Allele origin: germline.

Labcorp Genetics (formerly Invitae), Labcorp
Classification: Uncertain significance for Bardet-Biedl syndrome. Last evaluated: 2022-08-16. Review status: criteria provided, single submitter. Criteria: Invitae Variant Classification Sherloc (09022015). Collection method: clinical testing. Allele origin: germline.
Comment: In summary, the available evidence is currently insufficient to determine the role of this variant in disease. Therefore, it has been classified as a Variant of Uncertain Significance. Algorithms developed to predict the effect of missense changes on protein structure and function (SIFT, PolyPhen-2, Align-GVGD) all suggest that this variant is likely to be tolerated. This variant has not been reported in the literature in individuals affected with WDPCP-related conditions. This variant is present in population databases (no rsID available, gnomAD 0.01%). This sequence change replaces glutamine, which is neutral and polar, with arginine, which is basic and polar, at codon 684 of the WDPCP protein (p.Gln684Arg).